The following is an entry in ClinVar:

NM_001232.4(CASQ2):c.440A>G (p.Glu147Gly)

Gene: CASQ2 (calsequestrin 2; minus strand). Cytogenetic location: 1p13.1.
Variant type: single nucleotide variant.
Coding change: c.440A>G on transcript NM_001232.4 (MANE Select); coding-DNA position 440, A replaced by G.
Protein change: p.Glu147Gly; replaces glutamic acid 147 with glycine.
Molecular consequence: missense variant.
Genome position (GRCh38, 1-based): chr1:115,738,316, T>C on the plus strand (A>G on the coding strand, the complement: CASQ2 is on the minus strand). VCF-style: chr1-115738316-T-C. GRCh37 (hg19) VCF-style: chr1-116280937-T-C.
Other names: short protein forms E147G.
Identifiers: ClinVar variation 518749 (VCV000518749.5), dbSNP rs1553195093, ClinGen allele CA341763980.

ClinVar aggregate classification (germline): Uncertain significance (1 of 4 stars; one submission).

Conditions:
Cardiovascular phenotype. Identifiers: MedGen CN230736.

Submission:

Ambry Genetics
Classification: Uncertain significance for Cardiovascular phenotype. Last evaluated: 2017-11-27. Review status: criteria provided, single submitter. Criteria: Ambry Variant Classification Scheme 2023. Collection method: clinical testing. Allele origin: germline.
Comment: The p.E147G variant (also known as c.440A>G), located in coding exon 4 of the CASQ2 gene, results from an A to G substitution at nucleotide position 440. The glutamic acid at codon 147 is replaced by glycine, an amino acid with some similar properties. This amino acid position is highly conserved in available vertebrate species. In addition, this alteration is predicted to be deleterious by in silico analysis. Since supporting evidence is limited at this time, the clinical significance of this alteration remains unclear.